The following is an entry in ClinVar:

NM_001042492.3(NF1):c.5194G>T (p.Ala1732Ser)

Gene: NF1 (neurofibromin 1; plus strand). Cytogenetic location: 17q11.2.
Variant type: single nucleotide variant.
Coding change: c.5194G>T on transcript NM_001042492.3 (MANE Select); coding-DNA position 5194, G replaced by T.
Protein change: p.Ala1732Ser; replaces alanine 1732 with serine.
Molecular consequence: missense variant.
Genome position (GRCh38, 1-based): chr17:31,326,178, G>T. VCF-style: chr17-31326178-G-T. GRCh37 (hg19) VCF-style: chr17-29653196-G-T.
Other names: c.5131G>T, p.Ala1711Ser (NM_000267.4); short protein forms A1732S, A1711S.
Identifiers: ClinVar variation 3404733 (VCV003404733.1).

ClinVar aggregate classification (germline): Uncertain significance (1 of 4 stars; one submission).

Conditions:
Hereditary cancer-predisposing syndrome. Also called: Hereditary Cancer Syndrome; Tumor predisposition; Hereditary neoplastic syndrome; Neoplastic Syndromes, Hereditary. Identifiers: Orphanet 140162, MedGen C0027672, MeSH D009386, MONDO:0015356.
Cardiovascular phenotype. Identifiers: MedGen CN230736.

gnomAD v4.1: 1 of 1,613,300 alleles (0.000062%); highest among the groups gnomAD compares: Admixed American, 0.0017%; no homozygotes.

Submission:

Ambry Genetics
Classification: Uncertain significance for Cardiovascular phenotype; Hereditary cancer-predisposing syndrome. Last evaluated: 2024-09-03. Review status: criteria provided, single submitter. Criteria: Ambry Variant Classification Scheme 2023. Collection method: clinical testing. Allele origin: germline.
Comment: The p.A1711S variant (also known as c.5131G>T), located in coding exon 36 of the NF1 gene, results from a G to T substitution at nucleotide position 5131. The alanine at codon 1711 is replaced by serine, an amino acid with similar properties. This amino acid position is conserved. In addition, this alteration is predicted to be tolerated by in silico analysis. Based on the available evidence, the clinical significance of this variant remains unclear.